The following is an entry in ClinVar:

ClinVar aggregate classification (germline): Uncertain significance (1 of 4 stars; one submission).

Submission:

Labcorp Genetics (formerly Invitae), Labcorp
Classification: Uncertain significance. Last evaluated: 2024-12-30. Review status: criteria provided, single submitter. Criteria: Invitae Variant Classification Sherloc (09022015). Collection method: clinical testing. Allele origin: germline.
Comment: This sequence change replaces arginine, which is basic and polar, with leucine, which is neutral and non-polar, at codon 3 of the ROR2 protein (p.Arg3Leu). This variant is not present in population databases (gnomAD no frequency). This variant has not been reported in the literature in individuals affected with ROR2-related conditions. Invitae Evidence Modeling of protein sequence and biophysical properties (such as structural, functional, and spatial information, amino acid conservation, physicochemical variation, residue mobility, and thermodynamic stability) indicates that this missense variant is not expected to disrupt ROR2 protein function with a negative predictive value of 95%. In summary, the available evidence is currently insufficient to determine the role of this variant in disease. Therefore, it has been classified as a Variant of Uncertain Significance.

NM_004560.4(ROR2):c.8G>T (p.Arg3Leu)

Gene: ROR2 (receptor tyrosine kinase like orphan receptor 2; minus strand). Cytogenetic location: 9q22.31.
Variant type: single nucleotide variant.
Coding change: c.8G>T on transcript NM_004560.4 (MANE Select); coding-DNA position 8, G replaced by T.
Protein change: p.Arg3Leu; replaces arginine 3 with leucine.
Molecular consequence: missense variant.
Genome position (GRCh38, 1-based): chr9:91,949,956, C>A on the plus strand (G>T on the coding strand, the complement: ROR2 is on the minus strand). VCF-style: chr9-91949956-C-A. GRCh37 (hg19) VCF-style: chr9-94712238-C-A.
Other names: c.8G>T, p.Arg3Leu (NM_001318204.2); short protein forms R3L.
Identifiers: ClinVar variation 3635825 (VCV003635825.2).